The following is an entry in ClinVar:

ClinVar aggregate classification (germline): Likely pathogenic (1 of 4 stars; one submission).

Conditions:
Spermatogenic failure 25. Identifiers: MedGen C4693765, MONDO:0054729, OMIM 617960.

gnomAD v4.1: 8 of 1,613,508 alleles (0.0005%); highest among the groups gnomAD compares: South Asian, 0.0088%; no homozygotes.

Submission:

First Genomix Gene Laboratory, Genetic Diagnostics Department
Classification: Likely pathogenic for Spermatogenic failure 25. Last evaluated: 2025-09-22. Review status: criteria provided, single submitter. Criteria: ACMG Guidelines, 2015. Collection method: clinical testing. Allele origin: germline. Inheritance: Autosomal recessive inheritance. Affected: no. Observed: 1 variant allele.

NM_001350162.2(TEX15):c.8042C>G (p.Ser2681Ter)

Gene: TEX15 (testis expressed 15, meiosis and synapsis associated; minus strand). Cytogenetic location: 8p12.
Variant type: single nucleotide variant.
Coding change: c.8042C>G on transcript NM_001350162.2 (MANE Select); coding-DNA position 8042, C replaced by G.
Protein change: p.Ser2681Ter; replaces serine 2681 with a stop codon.
Molecular consequence: nonsense.
Genome position (GRCh38, 1-based): chr8:30,842,125, G>C on the plus strand (C>G on the coding strand, the complement: TEX15 is on the minus strand). VCF-style: chr8-30842125-G-C. GRCh37 (hg19) VCF-style: chr8-30699641-G-C.
Other names: short protein forms S2681*.
Identifiers: ClinVar variation 4850424 (VCV004850424.1).